The following is an entry in ClinVar:

NM_015215.4(CAMTA1):c.1411G>A (p.Asp471Asn)

Gene: CAMTA1 (calmodulin binding transcription activator 1; plus strand). Cytogenetic location: 1p36.23.
Variant type: single nucleotide variant.
Coding change: c.1411G>A on transcript NM_015215.4 (MANE Select); coding-DNA position 1411, G replaced by A.
Protein change: p.Asp471Asn; replaces aspartic acid 471 with asparagine.
Molecular consequence: missense variant.
Genome position (GRCh38, 1-based): chr1:7,663,958, G>A. VCF-style: chr1-7663958-G-A. GRCh37 (hg19) VCF-style: chr1-7724018-G-A.
Other names: c.1321G>A, p.Asp441Asn (NM_001349608.2, NM_001349612.2); c.1411G>A, p.Asp471Asn (NM_001349609.2, NM_001349610.2, NM_001410737.1); c.1339G>A, p.Asp447Asn (NM_001410738.1); short protein forms D441N, D471N, D447N.
Identifiers: ClinVar variation 2888038 (VCV002888038.3), dbSNP rs758380513, ClinGen allele CA566441.

ClinVar aggregate classification (germline): Uncertain significance (1 of 4 stars; one submission).

Allele frequency attached by ClinVar (database versions not stated): ExAC 0.00001; gnomAD 0.00001; TOPMed 0.00002; gnomAD exomes 0.00003.
gnomAD v4.1: 52 of 1,613,626 alleles (0.0032%); highest among the groups gnomAD compares: Admixed American, 0.005%; no homozygotes.

Submission:

Labcorp Genetics (formerly Invitae), Labcorp
Classification: Uncertain significance. Last evaluated: 2023-02-23. Review status: criteria provided, single submitter. Criteria: Invitae Variant Classification Sherloc (09022015). Collection method: clinical testing. Allele origin: germline.
Comment: This variant has not been reported in the literature in individuals affected with CAMTA1-related conditions. In summary, the available evidence is currently insufficient to determine the role of this variant in disease. Therefore, it has been classified as a Variant of Uncertain Significance. An algorithm developed to predict the effect of missense changes on protein structure and function (PolyPhen-2) suggests that this variant is likely to be disruptive. This variant is present in population databases (rs758380513, gnomAD 0.009%). This sequence change replaces aspartic acid, which is acidic and polar, with asparagine, which is neutral and polar, at codon 471 of the CAMTA1 protein (p.Asp471Asn).